The following is an entry in ClinVar:

NM_000179.3(MSH6):c.266A>T (p.Asp89Val)

Gene: MSH6 (mutS homolog 6; plus strand). Cytogenetic location: 2p16.3.
Variant type: single nucleotide variant.
Coding change: c.266A>T on transcript NM_000179.3 (MANE Select); coding-DNA position 266, A replaced by T.
Protein change: p.Asp89Val; replaces aspartic acid 89 with valine.
Molecular consequence: missense variant. On other transcripts: 5 prime UTR variant (2), intron variant (1).
Genome position (GRCh38, 1-based): chr2:47,790,932, A>T. VCF-style: chr2-47790932-A-T. GRCh37 (hg19) VCF-style: chr2-48018071-A-T.
Other names: c.-471A>T (NM_001281493.2); c.-637A>T (NM_001281494.2); c.237+7462A>T (NM_001281492.2); short protein forms D89V.
Identifiers: ClinVar variation 489988 (VCV000489988.16), dbSNP rs1311655109, ClinGen allele CA346736463.
Genomic context (GRCh38, chr2:47,790,932, plus strand): 5'-TTTAAGGAAACTTGACCAAATATTAACTAAGTTATGTATTTCCTTTTGGCAACAGTTGTG[A>T]CTTCTCACCAGGAGATTTGGTTTGGGCCAAGATGGAGGGTTACCCCTGGTGGCCTTGTCT-3'
Protein context (NP_000170.1, residues 79-99): SVAPAAPTSC[Asp89Val]FSPGDLVWAK

ClinVar aggregate classification (germline): Conflicting classifications of pathogenicity. Review status: criteria provided, conflicting classifications (1 of 4 stars). 3 submissions from 3 submitters: Uncertain significance (2); Likely benign (1). Last evaluated 2023-11-07.

Conditions:
Hereditary cancer-predisposing syndrome. Also called: Hereditary Cancer Syndrome; Neoplastic Syndromes, Hereditary; Tumor predisposition; Hereditary neoplastic syndrome. Identifiers: Orphanet 140162, MedGen C0027672, MeSH D009386, MONDO:0015356.
Hereditary nonpolyposis colorectal neoplasms. Identifiers: MedGen C0009405, MeSH D003123.

Allele frequency attached by ClinVar (database versions not stated): gnomAD exomes below 0.00001.
gnomAD v4.1: 1 of 1,614,184 alleles (0.000062%); highest among the groups gnomAD compares: Admixed American, 0.0017%; no homozygotes.

Submissions (3):

Ambry Genetics
Classification: Uncertain significance for Hereditary cancer-predisposing syndrome. Last evaluated: 2023-11-07. Review status: criteria provided, single submitter. Criteria: Ambry Variant Classification Scheme 2023. Collection method: clinical testing. Allele origin: germline.
Comment: The p.D89V variant (also known as c.266A>T), located in coding exon 2 of the MSH6 gene, results from an A to T substitution at nucleotide position 266. The aspartic acid at codon 89 is replaced by valine, an amino acid with highly dissimilar properties. This amino acid position is not well conserved in available vertebrate species. In addition, this alteration is predicted to be tolerated by in silico analysis. Since supporting evidence is limited at this time, the clinical significance of this alteration remains unclear.

Labcorp Genetics (formerly Invitae), Labcorp
Classification: Likely benign for Hereditary nonpolyposis colorectal neoplasms. Last evaluated: 2023-07-07. Review status: criteria provided, single submitter. Criteria: Invitae Variant Classification Sherloc (09022015). Collection method: clinical testing. Allele origin: germline.

Color Diagnostics, LLC DBA Color Health
Classification: Uncertain significance for Hereditary cancer-predisposing syndrome. Last evaluated: 2018-08-30. Review status: criteria provided, single submitter. Criteria: ACMG Guidelines, 2015. Collection method: clinical testing. Allele origin: germline.